The following is an entry in ClinVar:

NM_000334.4(SCN4A):c.4167C>A (p.Asn1389Lys)

Genes: GH-LCR (growth hormone locus control region; plus strand), SCN4A (sodium voltage-gated channel alpha subunit 4; minus strand). Cytogenetic location: 17q23.3.
Variant type: single nucleotide variant.
Coding change: c.4167C>A on transcript NM_000334.4 (MANE Select); coding-DNA position 4167, C replaced by A.
Protein change: p.Asn1389Lys; replaces asparagine 1389 with lysine.
Molecular consequence: missense variant.
Genome position (GRCh38, 1-based): chr17:63,942,947, G>T on the plus strand (C>A on the coding strand, the complement: SCN4A is on the minus strand). VCF-style: chr17-63942947-G-T. GRCh37 (hg19) VCF-style: chr17-62020307-G-T.
Other names: short protein forms N1389K.
Identifiers: ClinVar variation 844077 (VCV000844077.10), dbSNP rs1908591302, ClinGen allele CA400616580.

ClinVar aggregate classification (germline): Uncertain significance (1 of 4 stars; one submission).

Conditions:
Hyperkalemic periodic paralysis. Also called: Familial hyperkalemic periodic paralysis; Gamstorp disease. Identifiers: Orphanet 682, MedGen C0238357, MONDO:0008224, OMIM 170500, HP:0007215.

Submission:

Labcorp Genetics (formerly Invitae), Labcorp
Classification: Uncertain significance for Hyperkalemic periodic paralysis. Last evaluated: 2019-02-11. Review status: criteria provided, single submitter. Criteria: Invitae Variant Classification Sherloc (09022015). Collection method: clinical testing. Allele origin: germline.
Comment: In summary, the available evidence is currently insufficient to determine the role of this variant in disease. Therefore, it has been classified as a Variant of Uncertain Significance. This variant has been reported to affect SCN4A protein function (PMID: 23589580). This variant has not been reported in the literature in individuals with SCN4A-related conditions. This variant is not present in population databases (ExAC no frequency). This sequence change replaces asparagine with lysine at codon 1389 of the SCN4A protein (p.Asn1389Lys). The asparagine residue is highly conserved and there is a moderate physicochemical difference between asparagine and lysine.

Literature cited by the submitters: PubMed 23589580.